The following is an entry in ClinVar:

ClinVar aggregate classification (germline): Uncertain significance (1 of 4 stars; one submission).

Allele frequency attached by ClinVar (database versions not stated): gnomAD exomes below 0.00001; gnomAD 0.00001; TOPMed 0.00001.
gnomAD v4.1: 3 of 1,613,622 alleles (0.00019%); highest among the groups gnomAD compares: Non-Finnish European, 0.00025%; no homozygotes.

Submission:

Ambry Genetics
Classification: Uncertain significance. Last evaluated: 2024-04-01. Review status: criteria provided, single submitter. Criteria: Ambry Variant Classification Scheme 2023. Collection method: clinical testing. Allele origin: germline.
Comment: The p.L490P variant (also known as c.1469T>C), located in coding exon 13 of the RAD54L gene, results from a T to C substitution at nucleotide position 1469. The leucine at codon 490 is replaced by proline, an amino acid with similar properties. This amino acid position is conserved. In addition, the in silico prediction for this alteration is inconclusive. Since supporting evidence is limited at this time, the clinical significance of this alteration remains unclear.

NM_003579.4(RAD54L):c.1469T>C (p.Leu490Pro)

Gene: RAD54L (RAD54 like; plus strand). Cytogenetic location: 1p34.1.
Variant type: single nucleotide variant.
Coding change: c.1469T>C on transcript NM_003579.4 (MANE Select); coding-DNA position 1469, T replaced by C.
Protein change: p.Leu490Pro; replaces leucine 490 with proline.
Molecular consequence: missense variant.
Genome position (GRCh38, 1-based): chr1:46,273,448, T>C. VCF-style: chr1-46273448-T-C. GRCh37 (hg19) VCF-style: chr1-46739120-T-C.
Other names: c.1469T>C, p.Leu490Pro (NM_001142548.2); c.929T>C, p.Leu310Pro (NM_001370766.1); short protein forms L310P, L490P.
Identifiers: ClinVar variation 1773314 (VCV001773314.3), dbSNP rs1660493666, ClinGen allele CA340181255.